The following is an entry in ClinVar:

ClinVar aggregate classification (germline): Conflicting classifications of pathogenicity. Review status: criteria provided, conflicting classifications (1 of 4 stars). 3 submissions from 3 submitters: Uncertain significance (2); Likely benign (1). Last evaluated 2024-03-01.

Allele frequency attached by ClinVar (database versions not stated): gnomAD 0.00001; TOPMed 0.00001.

Submissions (3):

GeneDx
Classification: Uncertain significance. Last evaluated: 2024-03-01. Review status: criteria provided, single submitter. Criteria: GeneDx Variant Classification Process June 2021. Collection method: clinical testing. Allele origin: germline. Affected: yes.
Comment: Not observed at significant frequency in large population cohorts (gnomAD); In silico analysis supports that this missense variant does not alter protein structure/function; Has not been previously published as pathogenic or benign to our knowledge; This variant is associated with the following publications: (PMID: 28545555)

CeGaT Center for Human Genetics Tuebingen
Classification: Likely benign. Last evaluated: 2022-11-01. Review status: criteria provided, single submitter. Criteria: CeGaT Center For Human Genetics Tuebingen Variant Classification Criteria Version 2. Collection method: clinical testing. Allele origin: germline. Affected: yes. Observed: 1 variant allele.
Comment: SAMD9L: BP4

Labcorp Genetics (formerly Invitae), Labcorp
Classification: Uncertain significance. Last evaluated: 2022-06-04. Review status: criteria provided, single submitter. Criteria: Invitae Variant Classification Sherloc (09022015). Collection method: clinical testing. Allele origin: germline.
Comment: In summary, the available evidence is currently insufficient to determine the role of this variant in disease. Therefore, it has been classified as a Variant of Uncertain Significance. Algorithms developed to predict the effect of missense changes on protein structure and function are either unavailable or do not agree on the potential impact of this missense change (SIFT: "Not Available"; PolyPhen-2: "Benign"; Align-GVGD: "Not Available"). This variant has not been reported in the literature in individuals affected with SAMD9L-related conditions. This variant is not present in population databases (gnomAD no frequency). This sequence change replaces glycine, which is neutral and non-polar, with serine, which is neutral and polar, at codon 870 of the SAMD9L protein (p.Gly870Ser).

NM_152703.5(SAMD9L):c.2608G>A (p.Gly870Ser)

Gene: SAMD9L (sterile alpha motif domain containing 9 like; minus strand). Cytogenetic location: 7q21.2.
Variant type: single nucleotide variant.
Coding change: c.2608G>A on transcript NM_152703.5 (MANE Select); coding-DNA position 2608, G replaced by A.
Protein change: p.Gly870Ser; replaces glycine 870 with serine.
Molecular consequence: missense variant.
Genome position (GRCh38, 1-based): chr7:93,133,364, C>T on the plus strand (G>A on the coding strand, the complement: SAMD9L is on the minus strand). VCF-style: chr7-93133364-C-T. GRCh37 (hg19) VCF-style: chr7-92762677-C-T.
Other names: c.2608G>A, p.Gly870Ser (NM_001303496.3, NM_001303497.3, NM_001303498.3 and 5 more transcripts); c.2608G>A (NM_152703.3); short protein forms G870S.
Identifiers: ClinVar variation 2152443 (VCV002152443.29), dbSNP rs773878792, ClinGen allele CA161960177.